The following is an entry in ClinVar:

ClinVar aggregate classification (germline): Benign/Likely benign. Review status: criteria provided, multiple submitters, no conflicts (2 of 4 stars). 8 submissions from 8 submitters: Benign (3); Likely benign (1). 4 of the submissions do not count toward it. Last evaluated 2025-12-28.

Conditions:
PAX6-related disorder. Also called: PAX6-related disorders; PAX6-related condition.
Aniridia 1 (AN1). Identifiers: Orphanet 250923, MedGen C0344542, MONDO:0024507, OMIM 106210.
Irido-corneo-trabecular dysgenesis (ASGD5). Also called: ANTERIOR SEGMENT DYSGENESIS 5. Identifiers: Orphanet 708, MedGen C0344559, MONDO:0011414, OMIM 604229, HP:0000659.

Allele frequency attached by ClinVar (database versions not stated): gnomAD exomes 0.00019 and 0.00044; ExAC 0.00056; 1000 Genomes Project 30x 0.00078; 1000 Genomes Project 0.00080; gnomAD 0.00161 and 0.00175; ESP Exome Variant Server 0.00169; TOPMed 0.00186.
gnomAD v4.1: 525 of 1,612,658 alleles (0.033%); highest among the groups gnomAD compares: African/African-American, 0.57%; 4 homozygotes.

Submissions (8):

Labcorp Genetics (formerly Invitae), Labcorp
Classification: Benign for Aniridia 1; Irido-corneo-trabecular dysgenesis. Last evaluated: 2025-12-28. Review status: criteria provided, single submitter. Criteria: Invitae Variant Classification Sherloc (09022015). Collection method: clinical testing. Allele origin: germline.

Blueprint Genetics
Classification: Likely benign. Last evaluated: 2024-11-23. Review status: criteria provided, single submitter. Criteria: ACMG Guidelines, 2015. Collection method: clinical testing. Allele origin: germline.

Eurofins Ntd Llc (ga)
Classification: Benign. Last evaluated: 2013-09-24. Review status: criteria provided, single submitter. Criteria: EGL Classification Definitions 2015. Collection method: clinical testing. Allele origin: germline. Observed: 1 variant allele, 1 heterozygote.

Breakthrough Genomics
Classification: Benign. Review status: criteria provided, single submitter. Criteria: ACMG Guidelines, 2015. Collection method: not provided. Allele origin: germline. Inheritance: Autosomal dominant inheritance. Affected: yes.

PreventionGenetics, part of Exact Sciences
Classification: Likely benign for PAX6-related condition. Last evaluated: 2019-06-10. Review status: no assertion criteria provided. Collection method: clinical testing. Allele origin: germline. Not counted in ClinVar's aggregate classification.
Comment: This variant is classified as likely benign based on ACMG/AMP sequence variant interpretation guidelines (Richards et al. 2015 PMID: 25741868, with internal and published modifications).

Clinical Genetics DNA and cytogenetics Diagnostics Lab, Erasmus MC, Erasmus Medical Center
Classification: Likely benign. Review status: no assertion criteria provided. Collection method: clinical testing. Allele origin: germline. Affected: yes. Study: VKGL Data-share Consensus. Not counted in ClinVar's aggregate classification.

Clinical Genetics, Academic Medical Center
Classification: Benign. Review status: no assertion criteria provided. Collection method: clinical testing. Allele origin: germline. Affected: yes. Study: VKGL Data-share Consensus. Not counted in ClinVar's aggregate classification.

Laboratory of Diagnostic Genome Analysis, Leiden University Medical Center (LUMC)
Classification: Likely benign. Review status: no assertion criteria provided. Collection method: clinical testing. Allele origin: germline. Affected: yes. Study: VKGL Data-share Consensus. Not counted in ClinVar's aggregate classification.

NM_001368894.2(PAX6):c.130C>A (p.Arg44=)

Gene: PAX6 (paired box 6; minus strand). Cytogenetic location: 11p13.
Variant type: single nucleotide variant.
Coding change: c.130C>A on transcript NM_001368894.2 (MANE Select); coding-DNA position 130, C replaced by A.
Protein change: p.Arg44=; no amino-acid change (arginine 44 retained).
Molecular consequence: synonymous variant. On other transcripts: 5 prime UTR variant (12), non-coding transcript variant (2), intron variant (2).
Genome position (GRCh38, 1-based): chr11:31,802,715, G>T on the plus strand (C>A on the coding strand, the complement: PAX6 is on the minus strand). VCF-style: chr11-31802715-G-T. GRCh37 (hg19) VCF-style: chr11-31824263-G-T.
Other names: c.130C>A, p.Arg44= (NM_000280.6, NM_001127612.3, NM_001258462.3 and 30 more transcripts); c.-652C>A (NM_001310160.2, NM_001368905.2); c.-321C>A (NM_001310161.3, NM_001368900.2, NM_001368903.2 and 2 more transcripts); c.-279C>A (NM_001368899.2, NM_001368901.2, NM_001368906.2 and 1 more transcripts); c.-610C>A (NM_001368902.2); c.373C>A, p.Arg125= (NM_001368910.2); c.133C>A, p.Arg45= (NM_001368911.2); c.-267-939C>A (NM_001368909.2, NM_001368904.2); and 1 more.
Identifiers: ClinVar variation 92757 (VCV000092757.21), dbSNP rs141873759, ClinGen allele CA145985.